The following is an entry in ClinVar:

ClinVar aggregate classification (germline): Conflicting classifications of pathogenicity. Review status: criteria provided, conflicting classifications (1 of 4 stars). 5 submissions from 5 submitters: Pathogenic (1); Likely pathogenic (1); Uncertain significance (3). Last evaluated 2026-03-23.

Conditions:
Cardiovascular phenotype. Identifiers: MedGen CN230736.
Dilated cardiomyopathy 1M (CMD1M). Identifiers: Orphanet 154, MedGen C1843808, MONDO:0011840, OMIM 607482.
Hypertrophic cardiomyopathy 12. Identifiers: MedGen C2677491, MONDO:0012804, OMIM 612124.
CSRP3-related disorder. Also called: CSRP3-related condition; CSRP3-related disorders.

Allele frequency attached by ClinVar (database versions not stated): ExAC 0.00001; gnomAD 0.00001.
gnomAD v4.1: 28 of 1,612,340 alleles (0.0017%); highest among the groups gnomAD compares: Non-Finnish European, 0.0022%; no homozygotes.

Submissions (5):

PreventionGenetics, part of Exact Sciences
Classification: Likely pathogenic for CSRP3-related condition. Last evaluated: 2026-03-23. Review status: criteria provided, single submitter. Criteria: ACMG Guidelines, 2015. Collection method: clinical testing. Allele origin: germline.
Comment: The CSRP3 c.415-1G>T variant is predicted to disrupt the AG splice acceptor site and interfere with normal splicing. This variant has been reported in an individual with hypertrophic cardiomyopathy (Table S1, Lopes et al. 2013. PubMed ID: 23396983) and a case of sudden infant death (Tester et al. 2018. PubMed ID: 29544605). This variant has also been reported in a cohort of individuals with atrial fibrillation, although the gene-disease association of CSRP3 and atrial fibrillation remains unclear (eTable 2, Yoneda et al. 2021. PubMed ID: 34495297). This variant is reported in 0.0040% of alleles in individuals of African descent in gnomAD. Variants that disrupt the consensus splice acceptor site in CSRP3 are expected to be pathogenic. This variant is interpreted as likely pathogenic.

Labcorp Genetics (formerly Invitae), Labcorp
Classification: Pathogenic for Hypertrophic cardiomyopathy 12; Dilated cardiomyopathy 1M. Last evaluated: 2026-01-09. Review status: criteria provided, single submitter. Criteria: Invitae Variant Classification Sherloc (09022015). Collection method: clinical testing. Allele origin: germline.
Comment: This sequence change affects an acceptor splice site in intron 5 of the CSRP3 gene. It is expected to disrupt RNA splicing. Variants that disrupt the donor or acceptor splice site typically lead to a loss of protein function (PMID: 16199547), and loss-of-function variants in CSRP3 are known to be pathogenic (PMID: 12642359, 14567970, 16352453, 20087448, 34558151). This variant is present in population databases (rs775194825, gnomAD 0.004%). Disruption of this splice site has been observed in individuals with CSRP3-related conditions and/or hypertrophic cardiomyopathy (PMID: 29544605, 34495297; internal data). ClinVar contains an entry for this variant (Variation ID: 1204953). Algorithms developed to predict the effect of sequence changes on RNA splicing suggest that this variant may disrupt the consensus splice site. For these reasons, this variant has been classified as Pathogenic.

Ambry Genetics
Classification: Uncertain significance for Cardiovascular phenotype. Last evaluated: 2025-12-08. Review status: criteria provided, single submitter. Criteria: Ambry Variant Classification Scheme 2023. Collection method: clinical testing. Allele origin: germline.
Comment: The c.415-1G>T intronic variant results from a G to T substitution one nucleotide upstream from coding exon 4 of the CSRP3 gene. This alteration has been reported in a hypertrophic cardiomyopathy (HCM) cohort and a sudden unexplained infant death cohort; however, clinical details were limited (Lopes LR et al. J Med Genet, 2013 Apr;50:228-39; Tester DJ et al. J Am Coll Cardiol, 2018 03;71:1217-1227). Alterations that disrupt the canonical splice site are expected to result in aberrant splicing. In silico splice site analysis predicts that this alteration will weaken the native splice acceptor site and will result in the creation or strengthening of a novel splice acceptor site. The resulting transcript is predicted to be in-frame and is not expected to trigger nonsense-mediated mRNAdecay; however, direct evidence is unavailable. The exact functional effect of the altered amino acid sequence is unknown. This nucleotide position is highly conserved in available vertebrate species. Based on the available evidence, the clinical significance of this variant remains unclear.

Molecular Diagnostic Laboratory for Inherited Cardiovascular Disease, Montreal Heart Institute
Classification: Uncertain significance for Cardiovascular phenotype. Last evaluated: 2025-07-24. Review status: criteria provided, single submitter. Criteria: ACMG Guidelines, 2015. Collection method: clinical testing. Allele origin: germline. Affected: yes.
Comment: PVS1_mod, PM2, PS4_supp

GeneDx
Classification: Uncertain significance. Last evaluated: 2020-09-30. Review status: criteria provided, single submitter. Criteria: GeneDx Variant Classification Process June 2021. Collection method: clinical testing. Allele origin: germline. Affected: yes.
Comment: Reported in a patient with sudden infant death syndrome (SIDS) (Tester et al., 2018); however, additional clinical and segregation information was not provided; Not observed at a significant frequency in large population cohorts (Lek et al., 2016); Canonical splice site variant in a gene for which loss-of-function is not a known mechanism of disease; This variant is associated with the following publications: (PMID: 29544605)

Literature cited by the submitters: PubMed 16199547 (cited by Labcorp Genetics (formerly Invitae), Labcorp); PubMed 12642359 (cited by Labcorp Genetics (formerly Invitae), Labcorp); PubMed 14567970 (cited by Labcorp Genetics (formerly Invitae), Labcorp); PubMed 16352453 (cited by Labcorp Genetics (formerly Invitae), Labcorp); PubMed 20087448 (cited by Labcorp Genetics (formerly Invitae), Labcorp); PubMed 34558151 (cited by Labcorp Genetics (formerly Invitae), Labcorp); PubMed 29544605 (cited by Labcorp Genetics (formerly Invitae), Labcorp and Ambry Genetics); PubMed 34495297 (cited by Labcorp Genetics (formerly Invitae), Labcorp); PubMed 23396983 (cited by Ambry Genetics).

NM_003476.5(CSRP3):c.415-1G>T

Gene: CSRP3 (cysteine and glycine rich protein 3; minus strand). Cytogenetic location: 11p15.1.
Variant type: single nucleotide variant.
Coding change: c.415-1G>T on transcript NM_003476.5 (MANE Select); the canonical splice acceptor site of the intron before coding-DNA position 415, G replaced by T.
Molecular consequence: splice acceptor variant.
Genome position (GRCh38, 1-based): chr11:19,185,046, C>A on the plus strand (G>T on the coding strand, the complement: CSRP3 is on the minus strand). VCF-style: chr11-19185046-C-A. GRCh37 (hg19) VCF-style: chr11-19206593-C-A.
Other names: c.415-1G>T (NM_003476.4); c.246-1G>T (NM_001369404.1).
Identifiers: ClinVar variation 1204953 (VCV001204953.17), dbSNP rs775194825, ClinGen allele CA5916543.